The following is an entry in ClinVar:

ClinVar aggregate classification (germline): Pathogenic (1 of 4 stars; one submission).

Conditions:
Saldino-Mainzer syndrome (SRTD9). Also called: CONORENAL SYNDROME; Renal dysplasia, retinal pigmentary dystrophy, cerebellar ataxia and skeletal dysplasia; SHORT-RIB THORACIC DYSPLASIA 9 WITHOUT POLYDACTYLY; short-rib thoracic dysplasia 9 with or without polydactyly. Identifiers: Orphanet 140969, MedGen C1849437, MONDO:0009964, OMIM 266920.

Submission:

Labcorp Genetics (formerly Invitae), Labcorp
Classification: Pathogenic for Saldino-Mainzer syndrome. Last evaluated: 2025-04-16. Review status: criteria provided, single submitter. Criteria: Invitae Variant Classification Sherloc (09022015). Collection method: clinical testing. Allele origin: germline.
Comment: This sequence change creates a premature translational stop signal (p.Thr1231Glyfs*21) in the IFT140 gene. It is expected to result in an absent or disrupted protein product. Loss-of-function variants in IFT140 are known to be pathogenic (PMID: 22503633, 23418020, 24009529, 26216056). This variant is not present in population databases (gnomAD no frequency). This variant has not been reported in the literature in individuals affected with IFT140-related conditions. For these reasons, this variant has been classified as Pathogenic.

Literature cited by the submitters: PubMed 22503633; PubMed 23418020; PubMed 24009529; PubMed 26216056.

NM_014714.4(IFT140):c.3691_3692del (p.Thr1231fs)

Gene: IFT140 (intraflagellar transport 140; minus strand). Cytogenetic location: 16p13.3.
Variant type: Microsatellite.
Coding change: c.3691_3692del on transcript NM_014714.4 (MANE Select); coding-DNA positions 3691 to 3692, 2 bases deleted (AC; older notation c.3691_3692delAC).
Protein change: p.Thr1231fs; shifts the reading frame from threonine 1231.
Molecular consequence: frameshift variant.
Genome position (GRCh38, 1-based): chr16:1,520,312-1,520,313, GT deleted on the plus strand (AC on the coding strand, the reverse complement: IFT140 is on the minus strand); deleting any 2 consecutive bases within chr16:1,520,312-1,520,315 gives the same sequence; the c. name uses the placement nearest the transcript's 3' end. VCF-style (leftmost placement, unchanged base first): chr16-1520311-CGT-C. GRCh37 (hg19) VCF-style: chr16-1570312-CGT-C.
Other names: short protein forms T1231fs.
Identifiers: ClinVar variation 1358543 (VCV001358543.6), dbSNP rs2141145188, ClinGen allele CA2575869128.